The following is an entry in ClinVar:

ClinVar aggregate classification (germline): Likely benign (1 of 4 stars; one submission).

Allele frequency attached by ClinVar (database versions not stated): gnomAD 0.00004 and 0.00003; TOPMed 0.00001.
gnomAD v4.1: 16 of 1,601,946 alleles (0.001%); highest among the groups gnomAD compares: Admixed American, 0.0017%; no homozygotes.

Submission:

GeneDx
Classification: Likely benign. Last evaluated: 2016-04-11. Review status: criteria provided, single submitter. Criteria: GeneDx Variant Classification (06012015). Collection method: clinical testing. Allele origin: germline. Affected: yes.
Comment: This variant is considered likely benign or benign based on one or more of the following criteria: it is a conservative change, it occurs at a poorly conserved position in the protein, it is predicted to be benign by multiple in silico algorithms, and/or has population frequency not consistent with disease.

NM_152778.4(MFSD8):c.-58T>C

Gene: MFSD8 (major facilitator superfamily domain containing 8; minus strand). Cytogenetic location: 4q28.2.
Variant type: single nucleotide variant.
Coding change: c.-58T>C on transcript NM_152778.4; 58 bases upstream of the start codon, T replaced by C.
Molecular consequence: 5 prime UTR variant. On other transcripts: intron variant (2).
Genome position (GRCh38, 1-based): chr4:127,965,191, A>G on the plus strand (T>C on the coding strand, the complement: MFSD8 is on the minus strand). VCF-style: chr4-127965191-A-G. GRCh37 (hg19) VCF-style: chr4-128886346-A-G.
Other names: c.-74+706T>C (NM_001410765.1, NM_001371590.2).
Identifiers: ClinVar variation 380773 (VCV000380773.3), dbSNP rs796052737, ClinGen allele CA16605074.